The following is an entry in ClinVar:

NM_001330260.2(SCN8A):c.4122T>A (p.Thr1374=)

Gene: SCN8A (sodium voltage-gated channel alpha subunit 8; plus strand). Cytogenetic location: 12q13.13.
Variant type: single nucleotide variant.
Coding change: c.4122T>A on transcript NM_001330260.2 (MANE Select); coding-DNA position 4122, T replaced by A.
Protein change: p.Thr1374=; no amino-acid change (threonine 1374 retained).
Molecular consequence: synonymous variant.
Genome position (GRCh38, 1-based): chr12:51,786,721, T>A. VCF-style: chr12-51786721-T-A. GRCh37 (hg19) VCF-style: chr12-52180505-T-A.
Other names: p.T1374T:ACT>ACA; c.3999T>A, p.Thr1333= (NM_001177984.3, NM_001369788.1); c.4122T>A, p.Thr1374= (NM_014191.4).
Identifiers: ClinVar variation 130246 (VCV000130246.30), dbSNP rs115623439, ClinGen allele CA289036.
Genomic context (GRCh38, chr12:51,786,721, plus strand): 5'-CTACTGCTTTAATGAGACTTCTGAAATCCGATTTGAAATTGAAGATGTCAACAATAAAAC[T>A]GAATGTGAAAAGCTTATGGAGGGGAACAATACAGAGATCAGATGGAAGAACGTGAAGATC-3'
Protein context (NP_001317189.1, residues 1364-1384): RFEIEDVNNK[Thr1374=]ECEKLMEGNN

ClinVar aggregate classification (germline): Benign/Likely benign. Review status: criteria provided, multiple submitters, no conflicts (2 of 4 stars). 10 submissions from 10 submitters: Benign (5); Likely benign (2). 3 of the submissions do not count toward it. Last evaluated 2026-02-02.

Conditions:
Early-infantile DEE. Also called: Ohtahara syndrome; Early infantile epileptic encephalopathy with suppression bursts; Early infantile epileptic encephalopathy. Identifiers: Orphanet 1934, MedGen C0393706, MONDO:0800491.
Inborn genetic diseases. Identifiers: MedGen C0950123, MeSH D030342.
Developmental and epileptic encephalopathy, 13 (DEE13). Also called: Early infantile epileptic encephalopathy 13; Developmental and Epileptic Encephalopathy (SCN8A-DEE); SCN8A-Related Epilepsy. Identifiers: Orphanet 442835, MedGen C3281191, MONDO:0013801, OMIM 614558.
Cognitive impairment with or without cerebellar ataxia (CIAT). Identifiers: MedGen C3280415, MONDO:0013680, OMIM 614306.
Seizures, benign familial infantile, 5 (BFIS5). Also called: CONVULSIONS, BENIGN FAMILIAL INFANTILE, 5. Identifiers: Orphanet 306, MedGen C4310728, MONDO:0014903, OMIM 617080.
Myoclonus, familial, 2. Identifiers: MedGen C5193056, MONDO:0100092, OMIM 618364.

Allele frequency attached by ClinVar (database versions not stated): gnomAD 0.00531 and 0.00495; gnomAD exomes 0.00125 and 0.00066; ESP Exome Variant Server 0.00509; TOPMed 0.00548; 1000 Genomes Project 0.00339; 1000 Genomes Project 30x 0.00375; ExAC 0.00144.
gnomAD v4.1: 1,765 of 1,613,956 alleles (0.11%); highest among the groups gnomAD compares: African/African-American, 1.7%; 12 homozygotes.

Submissions (10):

Labcorp Genetics (formerly Invitae), Labcorp
Classification: Benign for Early-infantile DEE. Last evaluated: 2026-02-02. Review status: criteria provided, single submitter. Criteria: Invitae Variant Classification Sherloc (09022015). Collection method: clinical testing. Allele origin: germline.

Athena Diagnostics
Classification: Benign. Last evaluated: 2024-12-02. Review status: criteria provided, single submitter. Criteria: Athena Diagnostics Criteria. Collection method: clinical testing. Allele origin: unknown.
Comment: The frequency of this variant in the general population is higher than would generally be expected for pathogenic variants in this gene.

Blueprint Genetics
Classification: Likely benign. Last evaluated: 2024-11-22. Review status: criteria provided, single submitter. Criteria: ACMG Guidelines, 2015. Collection method: clinical testing. Allele origin: germline.

Fulgent Genetics
Classification: Likely benign for Cognitive impairment with or without cerebellar ataxia; Developmental and epileptic encephalopathy, 13; Seizures, benign familial infantile, 5; Myoclonus, familial, 2. Last evaluated: 2021-11-05. Review status: criteria provided, single submitter. Criteria: ACMG Guidelines, 2015. Collection method: clinical testing. Allele origin: unknown.

Ambry Genetics
Classification: Benign for Inborn genetic diseases. Last evaluated: 2016-03-21. Review status: criteria provided, single submitter. Criteria: Ambry Variant Classification Scheme 2023. Collection method: clinical testing. Allele origin: germline.

GeneDx
Classification: Benign. Last evaluated: 2013-11-27. Review status: criteria provided, single submitter. Criteria: GeneDx Variant Classification (06012015). Collection method: clinical testing. Allele origin: germline. Affected: yes.
Comment: This variant is considered likely benign or benign based on one or more of the following criteria: it is a conservative change, it occurs at a poorly conserved position in the protein, it is predicted to be benign by multiple in silico algorithms, and/or has population frequency not consistent with disease.

Breakthrough Genomics
Classification: Benign. Review status: criteria provided, single submitter. Criteria: ACMG Guidelines, 2015. Collection method: not provided. Allele origin: germline. Inheritance: Autosomal dominant inheritance. Affected: yes.

Clinical Genetics DNA and cytogenetics Diagnostics Lab, Erasmus MC, Erasmus Medical Center
Classification: Benign. Review status: no assertion criteria provided. Collection method: clinical testing. Allele origin: germline. Affected: yes. Study: VKGL Data-share Consensus. Not counted in ClinVar's aggregate classification.

Genetic Services Laboratory, University of Chicago
Classification: Likely benign for AllHighlyPenetrant. Review status: no assertion criteria provided. Collection method: clinical testing. Allele origin: germline. Inheritance: Autosomal dominant inheritance. Not counted in ClinVar's aggregate classification.
Comment: Likely benign based on allele frequency in 1000 Genomes Project or ESP global frequency and its presence in a patient with a rare or unrelated disease phenotype. NOT Sanger confirmed.

Joint Genome Diagnostic Labs from Nijmegen and Maastricht, Radboudumc and MUMC+
Classification: Likely benign. Review status: no assertion criteria provided. Collection method: clinical testing. Allele origin: germline. Affected: yes. Study: VKGL Data-share Consensus. Not counted in ClinVar's aggregate classification.